The following is an entry in ClinVar:

ClinVar aggregate classification (germline): Uncertain significance. Review status: criteria provided, multiple submitters, no conflicts (2 of 4 stars). 5 submissions from 5 submitters: Uncertain significance (4). 1 of the submissions does not count toward it. Last evaluated 2026-03-06.

Conditions:
ALG8-related disorder.
ALG8 congenital disorder of glycosylation. Also called: CONGENITAL DISORDER OF GLYCOSYLATION, TYPE Ih; CDG Ih; ALG8-CDG. Identifiers: Orphanet 79325, MedGen C2931002, MONDO:0011969, OMIM 608104.
Polycystic liver disease 3 with or without kidney cysts. Identifiers: MedGen C4693472, MONDO:0054743, OMIM 617874.
Autosomal dominant polycystic liver disease. Also called: Polycystic liver disease; Congenital cystic disease of liver. Identifiers: Orphanet 2924, MedGen C0158683, MONDO:0000447, HP:0006557.

Allele frequency attached by ClinVar (database versions not stated): gnomAD 0.00001; TOPMed 0.00001; ExAC 0.00002.
gnomAD v4.1: 21 of 1,613,480 alleles (0.0013%); highest among the groups gnomAD compares: African/African-American, 0.0027%; no homozygotes.

Submissions (5):

PreventionGenetics, part of Exact Sciences
Classification: Uncertain significance for ALG8-related condition. Last evaluated: 2026-03-06. Review status: criteria provided, single submitter. Criteria: ACMG Guidelines, 2015. Collection method: clinical testing. Allele origin: germline.
Comment: The ALG8 c.460G>A variant is predicted to result in the amino acid substitution p.Gly154Arg. This variant was reported in individuals with autosomal dominant polycystic kidney disease (ADPKD) or polycystic liver disease (ADPLD) (Supplementary Table 2, Yu et al. 2022. PubMed ID: 35778421; Boerrigter et al. 2023. PubMed ID: 37628703). The REVEL (rare exome variant ensemble learner) program predicts this variant is pathogenic at a "moderate" level (Ioannidis et al. 2016. PubMed ID: 27666373; Bergquist et al. 2024. PubMed ID: 39345488). Of note, this variant is also predicted to alter splicing based on available splicing prediction programs (Alamut Visual Plus v1.6.1; SpliceAI, Jaganathan et al. 2019. PubMed ID: 30661751). However, the use of computer prediction programs is not equivalent to functional evidence. This variant is reported in 0.0054% of alleles in individuals of East Asian descent in gnomAD. Although we suspect that this variant may be pathogenic, at this time, the clinical significance of this variant is uncertain due to the absence of conclusive functional and genetic evidence.

Labcorp Genetics (formerly Invitae), Labcorp
Classification: Uncertain significance for ALG8 congenital disorder of glycosylation. Last evaluated: 2024-07-27. Review status: criteria provided, single submitter. Criteria: Invitae Variant Classification Sherloc (09022015). Collection method: clinical testing. Allele origin: germline.
Comment: This sequence change replaces glycine, which is neutral and non-polar, with arginine, which is basic and polar, at codon 154 of the ALG8 protein (p.Gly154Arg). This variant is present in population databases (rs201359142, gnomAD 0.006%). This missense change has been observed in individual(s) with clinical features of ALG8-related disorders (PMID: 35778421). ClinVar contains an entry for this variant (Variation ID: 2446346). Advanced modeling of protein sequence and biophysical properties (such as structural, functional, and spatial information, amino acid conservation, physicochemical variation, residue mobility, and thermodynamic stability) performed at Invitae indicates that this missense variant is expected to disrupt ALG8 protein function with a positive predictive value of 80%. Algorithms developed to predict the effect of sequence changes on RNA splicing suggest that this variant may disrupt the consensus splice site. In summary, the available evidence is currently insufficient to determine the role of this variant in disease. Therefore, it has been classified as a Variant of Uncertain Significance.

Fulgent Genetics
Classification: Uncertain significance for ALG8 congenital disorder of glycosylation; Polycystic liver disease 3 with or without kidney cysts. Last evaluated: 2024-05-31. Review status: criteria provided, single submitter. Criteria: ACMG Guidelines, 2015. Collection method: clinical testing. Allele origin: germline.

GeneDx
Classification: Uncertain significance. Last evaluated: 2022-09-26. Review status: criteria provided, single submitter. Criteria: GeneDx Variant Classification Process June 2021. Collection method: clinical testing. Allele origin: germline. Affected: yes.
Comment: Not observed at significant frequency in large population cohorts (gnomAD); In silico analysis supports that this missense variant has a deleterious effect on protein structure/function; In-silico analysis is inconclusive as to whether the variant alters gene splicing. In the absence of RNA/functional studies, the actual effect of this sequence change is unknown.; Has not been previously published as pathogenic or benign to our knowledge

Laboratory of Gastroenterology and Hepatology, Radboud University Medical Center
Classification: Likely pathogenic for Isolated polycystic liver disease. Last evaluated: 2021-06-08. Review status: no assertion criteria provided. Collection method: research. Allele origin: germline. Affected: yes. Not counted in ClinVar's aggregate classification.

Literature cited by the submitters: PubMed 35778421 (cited by Labcorp Genetics (formerly Invitae), Labcorp).

NM_024079.5(ALG8):c.460G>A (p.Gly154Arg)

Gene: ALG8 (ALG8 alpha-1,3-glucosyltransferase; minus strand). Cytogenetic location: 11q14.1.
Variant type: single nucleotide variant.
Coding change: c.460G>A on transcript NM_024079.5 (MANE Select); coding-DNA position 460, G replaced by A.
Protein change: p.Gly154Arg; replaces glycine 154 with arginine.
Molecular consequence: missense variant.
Genome position (GRCh38, 1-based): chr11:78,121,083, C>T on the plus strand (G>A on the coding strand, the complement: ALG8 is on the minus strand). VCF-style: chr11-78121083-C-T. GRCh37 (hg19) VCF-style: chr11-77832129-C-T.
Other names: c.460G>A, p.Gly154Arg (NM_001007027.3); short protein forms G154R.
Identifiers: ClinVar variation 2446346 (VCV002446346.27), dbSNP rs201359142, ClinGen allele CA6203475.